The following is an entry in ClinVar:

ClinVar aggregate classification (germline): Likely benign. Review status: criteria provided, single submitter (1 of 4 stars). 2 submissions from 2 submitters: Likely benign (1). 1 of the submissions does not count toward it. Last evaluated 2024-06-06.

Conditions:
KRT75-related disorder. Also called: KRT75-related condition.

Allele frequency attached by ClinVar (database versions not stated): gnomAD 0.00001; gnomAD exomes 0.00001; TOPMed 0.00001.
gnomAD v4.1: 9 of 1,614,008 alleles (0.00056%); highest among the groups gnomAD compares: Admixed American, 0.005%; 1 homozygote.

Submissions (2):

Blueprint Genetics
Classification: Likely benign. Last evaluated: 2024-06-06. Review status: criteria provided, single submitter. Criteria: ACMG Guidelines, 2015. Collection method: clinical testing. Allele origin: germline.

PreventionGenetics, part of Exact Sciences
Classification: Likely benign for KRT75-related condition. Last evaluated: 2020-05-04. Review status: no assertion criteria provided. Collection method: clinical testing. Allele origin: germline. Not counted in ClinVar's aggregate classification.
Comment: This variant is classified as likely benign based on ACMG/AMP sequence variant interpretation guidelines (Richards et al. 2015 PMID: 25741868, with internal and published modifications).

NM_004693.3(KRT75):c.357A>G (p.Gly119=)

Gene: KRT75 (keratin 75; minus strand). Cytogenetic location: 12q13.13.
Variant type: single nucleotide variant.
Coding change: c.357A>G on transcript NM_004693.3 (MANE Select); coding-DNA position 357, A replaced by G.
Protein change: p.Gly119=; no amino-acid change (glycine 119 retained).
Molecular consequence: synonymous variant.
Genome position (GRCh38, 1-based): chr12:52,433,948, T>C on the plus strand (A>G on the coding strand, the complement: KRT75 is on the minus strand). VCF-style: chr12-52433948-T-C. GRCh37 (hg19) VCF-style: chr12-52827732-T-C.
Identifiers: ClinVar variation 3044450 (VCV003044450.3), dbSNP rs1220128466, ClinGen allele CA480068328.